The following is an entry in ClinVar:

ClinVar aggregate classification (germline): Pathogenic (1 of 4 stars; one submission).

Conditions:
Hereditary cancer-predisposing syndrome. Also called: Tumor predisposition; Hereditary neoplastic syndrome; Hereditary Cancer Syndrome; Neoplastic Syndromes, Hereditary. Identifiers: Orphanet 140162, MedGen C0027672, MeSH D009386, MONDO:0015356.

Submission:

Ambry Genetics
Classification: Pathogenic for Hereditary cancer-predisposing syndrome. Last evaluated: 2025-05-16. Review status: criteria provided, single submitter. Criteria: Ambry Variant Classification Scheme 2023. Collection method: clinical testing. Allele origin: germline.
Comment: The c.641_662del22 pathogenic mutation, located in coding exon 5 of the STK11 gene, results from a deletion of 22 nucleotides at nucleotide positions 641 to 662, causing a translational frameshift with a predicted alternate stop codon (p.Q214Rfs*66). This variant is considered to be rare based on population cohorts in the Genome Aggregation Database (gnomAD). This alteration is expected to result in loss of function by premature protein truncation or nonsense-mediated mRNA decay. As such, this alteration is interpreted as a disease-causing mutation.

NM_000455.5(STK11):c.641_662del (p.Gln214fs)

Gene: STK11 (serine/threonine kinase 11; plus strand). Cytogenetic location: 19p13.3.
Variant type: Deletion.
Coding change: c.641_662del on transcript NM_000455.5 (MANE Select); coding-DNA positions 641 to 662, 22 bases deleted (AGGGCTCCCCGGCTTTCCAGCC).
Protein change: p.Gln214fs; shifts the reading frame from glutamine 214.
Molecular consequence: frameshift variant. On other transcripts: non-coding transcript variant (1).
Genome position (GRCh38, 1-based): chr19:1,220,624-1,220,645, AGGGCTCCCCGGCTTTCCAGCC deleted; deleting any 22 consecutive bases within chr19:1,220,618-1,220,645 gives the same sequence; the c. name uses the placement nearest the transcript's 3' end. VCF-style (leftmost placement, unchanged base first): chr19-1220617-ACCAGCCAGGGCTCCCCGGCTTT-A. GRCh37 (hg19) VCF-style: chr19-1220616-ACCAGCCAGGGCTCCCCGGCTTT-A.
Other names: c.641_662del, p.Gln214fs (NM_001407255.1); short protein forms Q214fs.
Identifiers: ClinVar variation 3963270 (VCV003963270.1).